The following is an entry in ClinVar:

NM_032043.3(BRIP1):c.2325T>G (p.Asn775Lys)

Gene: BRIP1 (BRCA1 interacting DNA helicase 1; minus strand). Cytogenetic location: 17q23.2.
Variant type: single nucleotide variant.
Coding change: c.2325T>G on transcript NM_032043.3 (MANE Select); coding-DNA position 2325, T replaced by G.
Protein change: p.Asn775Lys; replaces asparagine 775 with lysine.
Molecular consequence: missense variant.
Genome position (GRCh38, 1-based): chr17:61,743,067, A>C on the plus strand (T>G on the coding strand, the complement: BRIP1 is on the minus strand). VCF-style: chr17-61743067-A-C. GRCh37 (hg19) VCF-style: chr17-59820428-A-C.
Other names: short protein forms N775K.
Identifiers: ClinVar variation 219556 (VCV000219556.31), dbSNP rs375146450, ClinGen allele CA350336.

ClinVar aggregate classification (germline): Uncertain significance. Review status: criteria provided, multiple submitters, no conflicts (2 of 4 stars). 9 submissions from 9 submitters: Uncertain significance (9). Last evaluated 2025-10-01.

Conditions:
Hereditary cancer-predisposing syndrome. Also called: Tumor predisposition; Neoplastic Syndromes, Hereditary; Hereditary Cancer Syndrome; Hereditary neoplastic syndrome. Identifiers: Orphanet 140162, MedGen C0027672, MeSH D009386, MONDO:0015356.
Familial cancer of breast. Also called: hereditary breast carcinoma; Hereditary breast cancer; BREAST CANCER, FAMILIAL. Identifiers: Orphanet 227535, MedGen C0346153, MONDO:0016419, OMIM 114480. Disease mechanism: loss of function.
Fanconi anemia complementation group J. Also called: BRIP1-Related Fanconi Anemia. Identifiers: Orphanet 84, MedGen C1836860, MONDO:0012187, OMIM 609054.

Allele frequency attached by ClinVar (database versions not stated): gnomAD exomes below 0.00001 and 0.00001; gnomAD 0.00001; ExAC 0.00002; TOPMed 0.00002; ESP Exome Variant Server 0.00008.
gnomAD v4.1: 16 of 1,613,790 alleles (0.00099%); highest among the groups gnomAD compares: Middle Eastern, 0.033%; no homozygotes.

Submissions (9):

Women's Health and Genetics/Laboratory Corporation of America, LabCorp
Classification: Uncertain significance. Last evaluated: 2025-10-01. Review status: criteria provided, single submitter. Criteria: LabCorp Variant Classification Summary - May 2015. Collection method: clinical testing. Allele origin: germline.
Comment: Variant summary: BRIP1 c.2325T>G (p.Asn775Lys) results in a non-conservative amino acid change in the encoded protein sequence. Algorithms developed to predict the effect of missense changes on protein structure and function are either unavailable or do not agree on the potential impact of this missense change. The variant allele was found at a frequency of 4e-06 in 251310 control chromosomes. The available data on variant occurrences in the general population are insufficient to allow any conclusion about variant significance. c.2325T>G has been observed in individuals affected with breast and/or ovarian cancer, and at least one individual with pancreatic ductal carcinoma and an individual with colon cancer (e.g. Zick_2015, Tsaousis_2019, Cremin_2020, Dorling_2021, Guglielmi_2021). These reports do not provide unequivocal conclusions about association of the variant with Hereditary Breast And Ovarian Cancer Syndrome. To our knowledge, no experimental evidence demonstrating an impact on protein function has been reported. The following publications have been ascertained in the context of this evaluation (PMID: 32255556, 33471991, 34299313, 31159747). ClinVar contains an entry for this variant (Variation ID: 219556). Based on the evidence outlined above, the variant was classified as uncertain significance.

Labcorp Genetics (formerly Invitae), Labcorp
Classification: Uncertain significance for Familial cancer of breast; Fanconi anemia complementation group J. Last evaluated: 2025-08-23. Review status: criteria provided, single submitter. Criteria: Invitae Variant Classification Sherloc (09022015). Collection method: clinical testing. Allele origin: germline.
Comment: This sequence change replaces asparagine, which is neutral and polar, with lysine, which is basic and polar, at codon 775 of the BRIP1 protein (p.Asn775Lys). This variant is present in population databases (rs375146450, gnomAD 0.002%). This missense change has been observed in individual(s) with pancreatic cancer (PMID: 32255556). ClinVar contains an entry for this variant (Variation ID: 219556). Invitae Evidence Modeling of protein sequence and biophysical properties (such as structural, functional, and spatial information, amino acid conservation, physicochemical variation, residue mobility, and thermodynamic stability) indicates that this missense variant is expected to disrupt BRIP1 protein function with a positive predictive value of 95%. In summary, the available evidence is currently insufficient to determine the role of this variant in disease. Therefore, it has been classified as a Variant of Uncertain Significance.

Center for Genomic Medicine, Rigshospitalet, Copenhagen University Hospital
Classification: Uncertain significance. Last evaluated: 2025-03-04. Review status: criteria provided, single submitter. Criteria: ACMG Guidelines, 2015. Collection method: clinical testing. Allele origin: germline.

Blueprint Genetics
Classification: Uncertain significance. Last evaluated: 2024-09-02. Review status: criteria provided, single submitter. Criteria: ACMG Guidelines, 2015. Collection method: clinical testing. Allele origin: germline.

Color Diagnostics, LLC DBA Color Health
Classification: Uncertain significance for Hereditary cancer-predisposing syndrome. Last evaluated: 2024-03-07. Review status: criteria provided, single submitter. Criteria: ACMG Guidelines, 2015. Collection method: clinical testing. Allele origin: germline.
Comment: This missense variant replaces asparagine with lysine at codon 775 of the BRIP1 protein. Computational prediction suggests that this variant may not impact protein structure and function. To our knowledge, functional studies have not been reported for this variant. This variant has been reported in individuals affected with a personal or family history of breast and/or ovarian cancer (PMID: 31159747, 33471991, 34299313 ) and pancreatic cancer (PMID: 32255556), as well as in an unaffected control individual (PMID: 33471991). This variant has been identified in 1/251310 chromosomes in the general population by the Genome Aggregation Database (gnomAD). The available evidence is insufficient to determine the role of this variant in disease conclusively. Therefore, this variant is classified as a Variant of Uncertain Significance.

Ambry Genetics
Classification: Uncertain significance for Hereditary cancer-predisposing syndrome. Last evaluated: 2024-01-25. Review status: criteria provided, single submitter. Criteria: Ambry Variant Classification Scheme 2023. Collection method: clinical testing. Allele origin: germline.
Comment: The p.N775K variant (also known as c.2325T>G), located in coding exon 15 of the BRIP1 gene, results from a T to G substitution at nucleotide position 2325. The asparagine at codon 775 is replaced by lysine, an amino acid with similar properties. This alteration has been reported as variant of uncertain significance in 1/1197 individuals from Greece, Romania, and Turkey undergoing evaluation for inherited cancer predisposition (Tsaousis GN et al. BMC Cancer, 2019 Jun;19:535). This alteration has also been identified in an individual diagnosed with pancreatic cancer (Cremin C et al. Cancer Med, 2020 06;9:4004-4013). This amino acid position is highly conserved in available vertebrate species. In addition, this alteration is predicted to be tolerated by in silico analysis. Since supporting evidence is limited at this time, the clinical significance of this alteration remains unclear.

GeneDx
Classification: Uncertain significance. Last evaluated: 2023-12-20. Review status: criteria provided, single submitter. Criteria: GeneDx Variant Classification Process June 2021. Collection method: clinical testing. Allele origin: germline. Affected: yes.
Comment: Not observed at significant frequency in large population cohorts (gnomAD); In silico analysis supports that this missense variant has a deleterious effect on protein structure/function; This variant is associated with the following publications: (PMID: 31159747, 33471991, 11301010, 32255556, 34299313)

Baylor Genetics
Classification: Uncertain significance for Familial cancer of breast. Last evaluated: 2023-05-24. Review status: criteria provided, single submitter. Criteria: ACMG Guidelines, 2015. Collection method: clinical testing. Allele origin: unknown.

GeneKor MSA
Classification: Uncertain significance for Hereditary cancer-predisposing syndrome. Last evaluated: 2018-08-01. Review status: criteria provided, single submitter. Criteria: ACMG Guidelines, 2015. Collection method: clinical testing. Allele origin: germline. Affected: yes.

Literature cited by the submitters: PubMed 31159747 (cited by 4 submitters); PubMed 32255556 (cited by 5 submitters); PubMed 33471991 (cited by Women's Health and Genetics/Laboratory Corporation of America, LabCorp and Color Diagnostics, LLC DBA Color Health); PubMed 34299313 (cited by 3 submitters).